The following is an entry in ClinVar:

ClinVar aggregate classification (germline): Pathogenic. Review status: reviewed by expert panel (3 of 4 stars). 9 submissions from 9 submitters: Pathogenic (1). 8 of the submissions do not count toward it. Last evaluated 2016-09-08.

Conditions:
Hereditary cancer-predisposing syndrome. Also called: Tumor predisposition; Neoplastic Syndromes, Hereditary; Hereditary neoplastic syndrome; Hereditary Cancer Syndrome. Identifiers: Orphanet 140162, MedGen C0027672, MeSH D009386, MONDO:0015356.
Hereditary breast ovarian cancer syndrome. Also called: Hereditary breast and ovarian cancer; Hereditary breast and ovarian cancer syndrome (HBOC); Hereditary breast and/or ovarian cancer syndrome; Breast and ovarian cancer; Hereditary breast and ovarian cancer syndrome; BRCA1- and BRCA2-Associated Hereditary Breast and Ovarian Cancer. Identifiers: Orphanet 145, MedGen C0677776, MeSH D061325, MONDO:0003582. Disease mechanism: loss of function.
Breast-ovarian cancer, familial, susceptibility to, 2 (BROVCA2). Also called: BRCA2 Hereditary Breast and Ovarian Cancer. Identifiers: Orphanet 145, MedGen C2675520, MONDO:0012933, OMIM 612555. Disease mechanism: loss of function.

Submissions (9):

Evidence-based Network for the Interpretation of Germline Mutant Alleles (ENIGMA)
Classification: Pathogenic for Breast-ovarian cancer, familial, susceptibility to, 2. Last evaluated: 2016-09-08. Review status: reviewed by expert panel. Criteria: ENIGMA BRCA1/2 Classification Criteria (2015). Collection method: curation. Allele origin: germline.
Comment: Variant allele predicted to encode a truncated non-functional protein.

Labcorp Genetics (formerly Invitae), Labcorp
Classification: Pathogenic for Hereditary breast ovarian cancer syndrome. Last evaluated: 2025-09-24. Review status: criteria provided, single submitter. Criteria: Invitae Variant Classification Sherloc (09022015). Collection method: clinical testing. Allele origin: germline. Not counted in ClinVar's aggregate classification.
Comment: This sequence change creates a premature translational stop signal (p.Asp2983Argfs*35) in the BRCA2 gene. It is expected to result in an absent or disrupted protein product. Loss-of-function variants in BRCA2 are known to be pathogenic (PMID: 20104584). This variant is not present in population databases (gnomAD no frequency). This premature translational stop signal has been observed in individual(s) with a personal and/or family history of breast and ovarian cancer (PMID: 29446198). ClinVar contains an entry for this variant (Variation ID: 38196). For these reasons, this variant has been classified as Pathogenic.

Department of Human Genetics, Hannover Medical School
Classification: Pathogenic for Breast-ovarian cancer, familial, susceptibility to, 2. Last evaluated: 2024-09-17. Review status: criteria provided, single submitter. Criteria: ACMG Guidelines, 2015. Collection method: clinical testing. Allele origin: germline. Inheritance: Autosomal dominant inheritance. Affected: yes. Not counted in ClinVar's aggregate classification.

Ambry Genetics
Classification: Pathogenic for Hereditary cancer-predisposing syndrome. Last evaluated: 2023-09-01. Review status: criteria provided, single submitter. Criteria: Ambry Variant Classification Scheme 2023. Collection method: clinical testing. Allele origin: germline. Not counted in ClinVar's aggregate classification.
Comment: The c.8946dupA pathogenic mutation, located in coding exon 21 of the BRCA2 gene, results from a duplication of A at nucleotide position 8946, causing a translational frameshift with a predicted alternate stop codon (p.D2983Rfs*35). This variant is considered to be rare based on population cohorts in the Genome Aggregation Database (gnomAD). This alteration is expected to result in loss of function by premature protein truncation or nonsense-mediated mRNA decay. As such, this alteration is interpreted as a disease-causing mutation.

Color Diagnostics, LLC DBA Color Health
Classification: Pathogenic for Hereditary cancer-predisposing syndrome. Last evaluated: 2020-01-15. Review status: criteria provided, single submitter. Criteria: ACMG Guidelines, 2015. Collection method: clinical testing. Allele origin: germline. Not counted in ClinVar's aggregate classification.
Comment: This variant inserts 1 nucleotide in exon 22 of the BRCA2 gene, creating a frameshift and premature translation stop signal. This variant is expected to result in an absent or non-functional protein product. This variant has not been identified in the general population by the Genome Aggregation Database (gnomAD). Loss of BRCA2 function is a known mechanism of disease. Based on the available evidence, this variant is classified as Pathogenic.

Consortium of Investigators of Modifiers of BRCA1/2 (CIMBA), c/o University of Cambridge
Classification: Pathogenic for Breast-ovarian cancer, familial, susceptibility to, 2. Last evaluated: 2015-10-02. Review status: criteria provided, single submitter. Criteria: CIMBA Mutation Classification guidelines May 2016. Collection method: clinical testing. Allele origin: germline. Not counted in ClinVar's aggregate classification.

BRCAlab, Lund University
Classification: Pathogenic for Breast-ovarian cancer, familial, susceptibility to, 2. Last evaluated: 2020-03-02. Review status: no assertion criteria provided. Collection method: clinical testing. Allele origin: germline. Affected: yes. Not counted in ClinVar's aggregate classification.

Sharing Clinical Reports Project (SCRP)
Classification: Pathogenic for Breast-ovarian cancer, familial 2. Last evaluated: 2012-09-11. Review status: no assertion criteria provided. Collection method: clinical testing. Allele origin: germline. Not counted in ClinVar's aggregate classification.

Breast Cancer Information Core (BIC) (BRCA2)
Classification: Pathogenic for Breast-ovarian cancer, familial 2. Last evaluated: 2003-12-23. Review status: no assertion criteria provided. Collection method: clinical testing. Allele origin: germline. Affected: yes. Observed: 2 variant alleles. Not counted in ClinVar's aggregate classification.

Literature cited by the submitters: PubMed 20104584 (cited by Labcorp Genetics (formerly Invitae), Labcorp); PubMed 29446198 (cited by Labcorp Genetics (formerly Invitae), Labcorp).

NM_000059.4(BRCA2):c.8946dup (p.Asp2983fs)

Gene: BRCA2 (BRCA2 DNA repair associated; plus strand). Cytogenetic location: 13q13.1.
Variant type: Duplication.
Coding change: c.8946dup on transcript NM_000059.4 (MANE Select); coding-DNA position 8946, one base duplicated (A; older notation c.8946dupA).
Protein change: p.Asp2983fs; shifts the reading frame from aspartic acid 2983.
Molecular consequence: frameshift variant.
Genome position (GRCh38, 1-based): chr13:32,379,508, A duplicated; the last of 5 consecutive A bases (chr13:32,379,504-32,379,508); duplicating any one gives the same sequence. VCF-style (leftmost placement, unchanged base first): chr13-32379503-G-GA. GRCh37 (hg19) VCF-style: chr13-32953640-G-GA.
Other names: 9174insA; c.8946dupA (NM_000059.3); short protein forms D2983fs.
Identifiers: ClinVar variation 38196 (VCV000038196.24), dbSNP rs80359733, ClinGen allele CA025883.
Genomic context (GRCh38, chr13:32,379,503, plus strand): 5'-GGTTTATCAAGGGATGTCACAACCGTGTGGAAGTTGCGTATTGTAAGCTATTCAAAAAAA[G>GA]AAAAAGATTCAGGTAAGTATGTAAATGCTTTGTTTTTATCAGTTTTATTAACTTAAAAAA-3'